The following is an entry in ClinVar:

ClinVar aggregate classification (germline): Uncertain significance (1 of 4 stars; one submission).

Conditions:
MKKS-related disorder. Also called: MKKS-related condition; MKKS-related disorders.

Submission:

PreventionGenetics, part of Exact Sciences
Classification: Uncertain significance for MKKS-related condition. Last evaluated: 2026-05-27. Review status: criteria provided, single submitter. Criteria: ACMG Guidelines, 2015. Collection method: clinical testing. Allele origin: germline.
Comment: The MKKS c.1705_1710del6 variant is predicted to result in premature protein termination (p.Lys569*). This variant is located in the last exon and is predicted to delete two amino acids at positions 569 and 570 and shift the native stop codon to position 569. To our knowledge, this variant has not been reported in the literature or in a large population database (gnomAD), indicating this variant is rare. At this time, the clinical significance of this variant is uncertain due to the absence of conclusive functional and genetic evidence.

NM_170784.3(MKKS):c.1705_1710del (p.Lys569_Asn570del)

Gene: MKKS (MKKS centrosomal shuttling protein; minus strand). Cytogenetic location: 20p12.2.
Variant type: Deletion.
Coding change: c.1705_1710del on transcript NM_170784.3 (MANE Select); coding-DNA positions 1705 to 1710, 6 bases deleted (AAAAAC; older notation c.1705_1710delAAAAAC).
Protein change: p.Lys569_Asn570del.
Molecular consequence: inframe deletion. On other transcripts: non-coding transcript variant (1).
Genome position (GRCh38, 1-based): chr20:10,405,250-10,405,255, GTTTTT deleted on the plus strand (AAAAAC on the coding strand, the reverse complement: MKKS is on the minus strand). VCF-style (leftmost placement, unchanged base first): chr20-10405249-AGTTTTT-A. GRCh37 (hg19) VCF-style: chr20-10385897-AGTTTTT-A.
Other names: c.1705_1710del, p.Lys569_Asn570del (NM_018848.3); c.1705_1710del6 (NM_018848.3).
Identifiers: ClinVar variation 3348059 (VCV003348059.2).